The following is an entry in ClinVar:

NM_001145308.5(LRTOMT):c.594G>A (p.Pro198=)

Genes: ANAPC15 (anaphase promoting complex subunit 15; minus strand), LRTOMT (leucine rich transmembrane and O-methyltransferase domain containing; plus strand), TOMT (transmembrane O-methyltransferase; plus strand). Cytogenetic location: 11q13.4.
Variant type: single nucleotide variant.
Coding change: c.594G>A on transcript NM_001145308.5; coding-DNA position 594, G replaced by A.
Protein change: p.Pro198=; no amino-acid change (proline 198 retained).
Molecular consequence: synonymous variant. On other transcripts: 3 prime UTR variant (3), non-coding transcript variant (1), intron variant (7).
Genome position (GRCh38, 1-based): chr11:72,108,643, G>A. VCF-style: chr11-72108643-G-A. GRCh37 (hg19) VCF-style: chr11-71819689-G-A.
Other names: c.495G>A, p.Pro165= (NM_001393500.2); c.594G>A, p.Pro198= (NM_001145309.4); c.474G>A, p.Pro158= (NM_001145310.4); c.*176C>T (NM_001393443.1, NM_001393444.1, NM_001393445.1); c.64-1038C>T (NM_001393459.1); c.319-1038C>T (NM_001393430.1, NM_001393429.1, NM_001393428.1 and 3 more transcripts).
Identifiers: ClinVar variation 1218229 (VCV001218229.10), dbSNP rs543661539, ClinGen allele CA224375573.

ClinVar aggregate classification (germline): Likely benign. Review status: criteria provided, multiple submitters, no conflicts (2 of 4 stars). 2 submissions from 2 submitters: Likely benign (2). Last evaluated 2025-12-01.

Allele frequency attached by ClinVar (database versions not stated): gnomAD 0.00008.
gnomAD v4.1: 65 of 1,502,186 alleles (0.0043%); highest among the groups gnomAD compares: African/African-American, 0.0083%; no homozygotes.

Submissions (2):

CeGaT Center for Human Genetics Tuebingen
Classification: Likely benign. Last evaluated: 2025-12-01. Review status: criteria provided, single submitter. Criteria: CeGaT Center For Human Genetics Tuebingen Variant Classification Criteria Version 2. Collection method: clinical testing. Allele origin: germline. Affected: yes. Observed: 1 variant allele.
Comment: LRTOMT: BP4, BP7

GeneDx
Classification: Likely benign. Last evaluated: 2020-08-10. Review status: criteria provided, single submitter. Criteria: GeneDx Variant Classification Process June 2021. Collection method: clinical testing. Allele origin: germline. Affected: yes.